The following is an entry in ClinVar:

NM_003073.5(SMARCB1):c.197_204del (p.Ser66fs)

Gene: SMARCB1 (SWI/SNF related BAF chromatin remodeling complex subunit B1; plus strand). Cytogenetic location: 22q11.23.
Variant type: Deletion.
Coding change: c.197_204del on transcript NM_003073.5 (MANE Select); coding-DNA positions 197 to 204, 8 bases deleted (CGTCACAT; older notation c.197_204delCGTCACAT).
Protein change: p.Ser66fs; shifts the reading frame from serine 66.
Molecular consequence: frameshift variant. On other transcripts: nonsense (2).
Genome position (GRCh38, 1-based): chr22:23,791,859-23,791,866, CGTCACAT deleted; deleting any 8 consecutive bases within chr22:23,791,856-23,791,866 gives the same sequence; the c. name uses the placement nearest the transcript's 3' end. VCF-style (leftmost placement, unchanged base first): chr22-23791855-GCATCGTCA-G. GRCh37 (hg19) VCF-style: chr22-24134042-GCATCGTCA-G.
Other names: c.197_204del, p.Ala65_Ser66insTer (NM_001007468.3, NM_001317946.2); c.197_204del, p.Ser66fs (NM_001362877.2); short protein forms S66fs.
Identifiers: ClinVar variation 4530285 (VCV004530285.1).

ClinVar aggregate classification (somatic clinical impact): Tier I - Strong (1 of 4 stars; one submission).

Conditions:
Atypical teratoid rhabdoid tumor. Also called: Atypical teratoid/rhabdoid tumor. Identifiers: Orphanet 99966, MedGen C1266184, MONDO:0020560, HP:0034401.

Submission:

Institute for Genomic Medicine (IGM) Clinical Laboratory, Nationwide Children's Hospital
Classification: Tier I - Strong for Atypical teratoid rhabdoid tumor. Assertion type: diagnostic. Clinical significance: supports diagnosis. Last evaluated: 2022-10-17. Review status: criteria provided, single submitter. Criteria: AMP/ASCO/CAP Guidelines, 2017. Collection method: clinical testing. Allele origin: somatic. Affected: yes.
Comment: Variant has Tier I (strong) clinical significance as a diagnostic inclusion criterion in atypical teratoid rhabdoid tumor, based on the following evidence: 1) Appears in one or more well-established professional guidelines (e.g., World Health Organization [WHO]; National Comprehensive Cancer Network [NCCN]) as providing diagnostic, prognostic, or therapeutic information. 2) Diagnostic for a specific tumor type/classification according to professional guidelines (Evidence Level A; PMIDs: 22797305, 9892189, 9671307, 26923874, 23074045).

Literature cited by the submitters: PubMed 22797305; PubMed 9892189; PubMed 9671307; PubMed 26923874; PubMed 23074045.